The following is an entry in ClinVar:

ClinVar aggregate classification (germline): Pathogenic/Likely pathogenic. Review status: criteria provided, multiple submitters, no conflicts (2 of 4 stars). 6 submissions from 6 submitters: Pathogenic (5); Likely pathogenic (1). Last evaluated 2026-01-26.

Conditions:
Joubert syndrome 9 (JBTS9). Identifiers: Orphanet 2318, MedGen C2676788, MONDO:0012849, OMIM 612285.
Retinitis pigmentosa 93. Identifiers: MedGen C5676970, MONDO:0030797, OMIM 619845.
Meckel syndrome, type 6. Identifiers: Orphanet 564, MedGen C2676790, MONDO:0012848, OMIM 612284.
COACH syndrome 2. Identifiers: MedGen C5436837, MONDO:0030859, OMIM 619111.
Meckel-Gruber syndrome. Also called: Dysencephalia splachnocystica; DYSENCEPHALIA SPLANCHNOCYSTICA; GRUBER SYNDROME. Identifiers: Orphanet 564, MedGen C0265215, MONDO:0018921.
Joubert syndrome. Also called: JOUBERT-BOLTSHAUSER SYNDROME; Familial aplasia of the vermis. Identifiers: Orphanet 475, MedGen C5979921, MONDO:0018772.
Joubert syndrome and related disorders. Identifiers: Orphanet 140874, MedGen C5679612, MONDO:0015369.
Joubert syndrome 1 (JBTS1). Also called: Cerebellooculorenal syndrome 1; CEREBELLOPARENCHYMAL DISORDER IV. Identifiers: MedGen C4551568, MONDO:0008944, OMIM 213300.

Allele frequency attached by ClinVar (database versions not stated): gnomAD exomes below 0.00001 and 0.00001; ExAC 0.00001; gnomAD 0.00001; TOPMed 0.00001.
gnomAD v4.1: 10 of 1,613,208 alleles (0.00062%); highest among the groups gnomAD compares: East Asian, 0.0045%; no homozygotes.

Submissions (6):

Women's Health and Genetics/Laboratory Corporation of America, LabCorp
Classification: Pathogenic for Meckel syndrome, type 6. Last evaluated: 2026-01-26. Review status: criteria provided, single submitter. Criteria: LabCorp Variant Classification Summary - May 2015. Collection method: clinical testing. Allele origin: germline.
Comment: Variant summary: CC2D2A c.1267C>T (p.Arg423X) results in a premature termination codon, predicted to cause absence of the protein due to nonsense mediated decay, which is a commonly known mechanism for disease. The variant allele was found at a frequency of 4e-06 in 248096 control chromosomes. c.1267C>T has been observed in at-least two individuals affected with Meckel Syndrome Type 6 or Meckel Gruber syndrome 6 (example, Diderich_2020, Schueler _2016). These data indicate that the variant may be associated with disease. To our knowledge, no experimental evidence demonstrating an impact on protein function has been reported. The following publications have been ascertained in the context of this evaluation (PMID: 33249554, 26673778). ClinVar contains an entry for this variant (Variation ID: 411851). Based on the evidence outlined above, the variant was classified as pathogenic.

First Genomix Gene Laboratory, Genetic Diagnostics Department
Classification: Likely pathogenic for COACH syndrome 2; Joubert syndrome 9; Meckel syndrome, type 6; Retinitis pigmentosa 93. Last evaluated: 2025-04-15. Review status: criteria provided, single submitter. Criteria: ACMG Guidelines, 2015. Collection method: clinical testing. Allele origin: germline. Inheritance: Autosomal recessive inheritance. Affected: no. Observed: 1 variant allele.

Fulgent Genetics
Classification: Pathogenic for Meckel syndrome, type 6; Joubert syndrome 9; COACH syndrome 2; Retinitis pigmentosa 93. Last evaluated: 2024-06-07. Review status: criteria provided, single submitter. Criteria: ACMG Guidelines, 2015. Collection method: clinical testing. Allele origin: germline.

Myriad Genetics, Inc.
Classification: Pathogenic for Joubert syndrome and related disorders. Last evaluated: 2024-06-06. Review status: criteria provided, single submitter. Criteria: Myriad Autosomal Dominant, Autosomal Recessive and X-Linked Classification Criteria (2023). Collection method: clinical testing. Allele origin: unknown.
Comment: NM_001080522.2(CC2D2A):c.1267C>T(R423*) is expected to be pathogenic in the context of CC2D2A-related disorders. This variant is predicted to lead to an abnormal or absent protein product due to the creation of a premature termination codon in CC2D2A, a gene where loss-of-function variants are known to be pathogenic. Please note: this variant was assessed in the context of healthy population screening.

Labcorp Genetics (formerly Invitae), Labcorp
Classification: Pathogenic for Joubert syndrome; Meckel-Gruber syndrome. Last evaluated: 2023-02-13. Review status: criteria provided, single submitter. Criteria: Invitae Variant Classification Sherloc (09022015). Collection method: clinical testing. Allele origin: germline.
Comment: This premature translational stop signal has been observed in individual(s) with nephronophthisis-related ciliopathy (PMID: 26673778). For these reasons, this variant has been classified as Pathogenic. ClinVar contains an entry for this variant (Variation ID: 411851). The frequency data for this variant in the population databases is considered unreliable, as metrics indicate poor data quality at this position in the gnomAD database. This sequence change creates a premature translational stop signal (p.Arg423*) in the CC2D2A gene. It is expected to result in an absent or disrupted protein product. Loss-of-function variants in CC2D2A are known to be pathogenic (PMID: 19777577).

Mendelics
Classification: Pathogenic for Joubert syndrome 1. Last evaluated: 2019-05-28. Review status: criteria provided, single submitter. Criteria: Mendelics Assertion Criteria 2017. Collection method: clinical testing. Allele origin: unknown.

Literature cited by the submitters: PubMed 26673778 (cited by Women's Health and Genetics/Laboratory Corporation of America, LabCorp and Labcorp Genetics (formerly Invitae), Labcorp); PubMed 33249554 (cited by Women's Health and Genetics/Laboratory Corporation of America, LabCorp); PubMed 19777577 (cited by Labcorp Genetics (formerly Invitae), Labcorp).

NM_001378615.1(CC2D2A):c.1267C>T (p.Arg423Ter)

Genes: CC2D2A (coiled-coil and C2 domain containing 2A; plus strand), FBXL5 (F-box and leucine rich repeat protein 5; minus strand). Cytogenetic location: 4p15.32.
Variant type: single nucleotide variant.
Coding change: c.1267C>T on transcript NM_001378615.1 (MANE Select); coding-DNA position 1267, C replaced by T.
Protein change: p.Arg423Ter; replaces arginine 423 with a stop codon.
Molecular consequence: nonsense.
Genome position (GRCh38, 1-based): chr4:15,527,564, C>T. VCF-style: chr4-15527564-C-T. GRCh37 (hg19) VCF-style: chr4-15529187-C-T.
Other names: c.1267C>T, p.Arg423Ter (NM_001080522.2); c.1120C>T, p.Arg374Ter (NM_001378617.1); short protein forms R423*, R374*.
Identifiers: ClinVar variation 411851 (VCV000411851.11), dbSNP rs757208121, ClinGen allele CA2863622.